The following is an entry in ClinVar:

NM_145167.3(PIGM):c.518A>G (p.Tyr173Cys)

Gene: PIGM (phosphatidylinositol glycan anchor biosynthesis class M; minus strand). Cytogenetic location: 1q23.2.
Variant type: single nucleotide variant.
Coding change: c.518A>G on transcript NM_145167.3 (MANE Select); coding-DNA position 518, A replaced by G.
Protein change: p.Tyr173Cys; replaces tyrosine 173 with cysteine.
Molecular consequence: missense variant.
Genome position (GRCh38, 1-based): chr1:160,031,222, T>C on the plus strand (A>G on the coding strand, the complement: PIGM is on the minus strand). VCF-style: chr1-160031222-T-C. GRCh37 (hg19) VCF-style: chr1-160001012-T-C.
Other names: short protein forms Y173C.
Identifiers: ClinVar variation 2059769 (VCV002059769.5), dbSNP rs147502351, ClinGen allele CA1193022.

ClinVar aggregate classification (germline): Uncertain significance. Review status: criteria provided, multiple submitters, no conflicts (2 of 4 stars). 2 submissions from 2 submitters: Uncertain significance (2). Last evaluated 2026-01-05.

Conditions:
Hypercoagulability syndrome due to glycosylphosphatidylinositol deficiency (GPIBD1). Also called: GLYCOSYLPHOSPHATIDYLINOSITOL BIOSYNTHESIS DEFECT 1. Identifiers: Orphanet 83639, MedGen C5201145, MONDO:0012465, OMIM 610293.

Allele frequency attached by ClinVar (database versions not stated): gnomAD exomes 0.00003; ExAC 0.00008; gnomAD 0.00022; TOPMed 0.00026; ESP Exome Variant Server 0.00031.
gnomAD v4.1: 87 of 1,613,938 alleles (0.0054%); highest among the groups gnomAD compares: African/African-American, 0.077%; no homozygotes.

Submissions (2):

Labcorp Genetics (formerly Invitae), Labcorp
Classification: Uncertain significance for Hypercoagulability syndrome due to glycosylphosphatidylinositol deficiency. Last evaluated: 2026-01-05. Review status: criteria provided, single submitter. Criteria: Invitae Variant Classification Sherloc (09022015). Collection method: clinical testing. Allele origin: germline.
Comment: This sequence change replaces tyrosine, which is neutral and polar, with cysteine, which is neutral and slightly polar, at codon 173 of the PIGM protein (p.Tyr173Cys). This variant is present in population databases (rs147502351, gnomAD 0.1%), and has an allele count higher than expected for a pathogenic variant. This variant has not been reported in the literature in individuals affected with PIGM-related conditions. ClinVar contains an entry for this variant (Variation ID: 2059769). Invitae Evidence Modeling of protein sequence and biophysical properties (such as structural, functional, and spatial information, amino acid conservation, physicochemical variation, residue mobility, and thermodynamic stability) indicates that this missense variant is expected to disrupt PIGM protein function with a positive predictive value of 80%. In summary, the available evidence is currently insufficient to determine the role of this variant in disease. Therefore, it has been classified as a Variant of Uncertain Significance.

Ambry Genetics
Classification: Uncertain significance. Last evaluated: 2024-06-17. Review status: criteria provided, single submitter. Criteria: Ambry Variant Classification Scheme 2023. Collection method: clinical testing. Allele origin: germline.